The following is an entry in ClinVar:

ClinVar aggregate classification (germline): Likely pathogenic. Review status: criteria provided, multiple submitters, no conflicts (2 of 4 stars). 3 submissions from 3 submitters: Likely pathogenic (3). Last evaluated 2023-06-20.

Conditions:
Deficiency of cytochrome-b5 reductase. Also called: METHEMOGLOBINEMIA, CONGENITAL, AUTOSOMAL RECESSIVE; NADH-DEPENDENT METHEMOGLOBIN REDUCTASE DEFICIENCY. Identifiers: Orphanet 621, MedGen C0268193, MONDO:0009606, OMIM 250800.

Allele frequency attached by ClinVar (database versions not stated): gnomAD exomes below 0.00001; TOPMed below 0.00001; gnomAD 0.00001.
gnomAD v4.1: 2 of 1,613,526 alleles (0.00012%); highest among the groups gnomAD compares: Non-Finnish European, 0.00017%; no homozygotes.

Submissions (3):

Mayo Clinic Laboratories, Mayo Clinic
Classification: Likely pathogenic. Last evaluated: 2023-06-20. Review status: criteria provided, single submitter. Criteria: ACMG Guidelines, 2015. Collection method: clinical testing. Allele origin: germline.
Comment: PM2_moderate, PM3, PVS1_strong

Revvity Omics, Revvity
Classification: Likely pathogenic for Deficiency of cytochrome-b5 reductase. Last evaluated: 2023-02-27. Review status: criteria provided, single submitter. Criteria: ACMG Guidelines, 2015. Collection method: clinical testing. Allele origin: germline.

Labcorp Genetics (formerly Invitae), Labcorp
Classification: Likely pathogenic. Last evaluated: 2021-05-13. Review status: criteria provided, single submitter. Criteria: Invitae Variant Classification Sherloc (09022015). Collection method: clinical testing. Allele origin: germline.
Comment: This sequence change affects a donor splice site in intron 6 of the CYB5R3 gene. RNA analysis indicates that this variant induces altered splicing and may result in an absent or disrupted protein product. This variant is not present in population databases (ExAC no frequency). This variant has been observed in individual(s) withcongenital methemoglobinemia (PMID: 15921385). Studies have shown that this variant is associated with skipping of exon and retention of intron, which introduces a premature termination codon (PMID:15921385). The resulting mRNA is expected to undergo nonsense-mediated decay. In summary, the currently available evidence indicates that the variant is pathogenic, but additional data are needed to prove that conclusively. Therefore, this variant has been classified as Likely Pathogenic.

Literature cited by the submitters: PubMed 15921385 (cited by Mayo Clinic Laboratories, Mayo Clinic and Labcorp Genetics (formerly Invitae), Labcorp); PubMed 18343696 (cited by Mayo Clinic Laboratories, Mayo Clinic); PubMed 29482478 (cited by Mayo Clinic Laboratories, Mayo Clinic); PubMed 31898843 (cited by Mayo Clinic Laboratories, Mayo Clinic).

NM_000398.7(CYB5R3):c.547+1G>A

Gene: CYB5R3 (cytochrome b5 reductase 3; minus strand). Cytogenetic location: 22q13.2.
Variant type: single nucleotide variant.
Coding change: c.547+1G>A on transcript NM_000398.7 (MANE Select); the canonical splice donor site of the intron after coding-DNA position 547, G replaced by A.
Molecular consequence: splice donor variant.
Genome position (GRCh38, 1-based): chr22:42,627,604, C>T on the plus strand (G>A on the coding strand, the complement: CYB5R3 is on the minus strand). VCF-style: chr22-42627604-C-T. GRCh37 (hg19) VCF-style: chr22-43023610-C-T.
Other names: p.?; c.478+1G>A (NM_007326.4, NM_001171661.1, NM_001129819.2); c.646+1G>A (NM_001171660.2).
Identifiers: ClinVar variation 1502415 (VCV001502415.11), dbSNP rs1161477501, ClinGen allele CA411797909.